The following is an entry in ClinVar:

ClinVar aggregate classification (germline): Likely pathogenic (1 of 4 stars; one submission).

Conditions:
Finnish congenital nephrotic syndrome (NPHS1). Also called: NEPHROTIC SYNDROME, TYPE 1. Identifiers: Orphanet 839, MedGen C0403399, MONDO:0009732, OMIM 256300.

Submission:

Myriad Genetics, Inc.
Classification: Likely pathogenic for Finnish congenital nephrotic syndrome. Last evaluated: 2022-03-17. Review status: criteria provided, single submitter. Criteria: Myriad Women's Health Autosomal Recessive and X-Linked Classification Criteria (2021). Collection method: clinical testing. Allele origin: unknown.
Comment: NM_004646.3(NPHS1):c.181_182insTCTT(A61Vfs*32) is expected to be pathogenic in the context of nephrotic syndrome, NPHS1-related. This variant is predicted to lead to an abnormal or absent protein product due to the creation of a premature termination codon in NPHS1, a gene where loss-of-function variants are known to be pathogenic. Please note: this variant was assessed in the context of healthy population screening.

NM_004646.4(NPHS1):c.181_182insTCTT (p.Ala61fs)

Genes: NPHS1 (NPHS1 adhesion molecule, nephrin; minus strand), KIRREL2 (kirre like nephrin family adhesion molecule 2; plus strand). Cytogenetic location: 19q13.12.
Variant type: Insertion.
Coding change: c.181_182insTCTT on transcript NM_004646.4 (MANE Select); coding-DNA positions 181 to 182, TCTT inserted.
Protein change: p.Ala61fs; shifts the reading frame from alanine 61.
Molecular consequence: frameshift variant.
Genome position: GRCh38 VCF-style: chr19-35851549-G-GAAGA. GRCh37 (hg19) VCF-style: chr19-36342451-G-GAAGA.
Other names: short protein forms A61fs.
Identifiers: ClinVar variation 1725372 (VCV001725372.2), dbSNP rs2513785913, ClinGen allele CA2580096905.